The following is an entry in ClinVar:

NM_001267550.2(TTN):c.32189G>A (p.Arg10730Gln)

Gene: TTN (titin; minus strand). Cytogenetic location: 2q31.2.
Variant type: single nucleotide variant.
Coding change: c.32189G>A on transcript NM_001267550.2 (MANE Select); coding-DNA position 32189, G replaced by A.
Protein change: p.Arg10730Gln; replaces arginine 10730 with glutamine.
Molecular consequence: missense variant. On other transcripts: intron variant (3).
Genome position (GRCh38, 1-based): chr2:178,688,685, C>T on the plus strand (G>A on the coding strand, the complement: TTN is on the minus strand). VCF-style: chr2-178688685-C-T. GRCh37 (hg19) VCF-style: chr2-179553412-C-T.
Other names: p.R10413Q:CGG>CAG; c.28457G>A, p.Arg9486Gln (NM_133378.4); c.13283-46368G>A (NM_003319.4); c.13859-46368G>A (NM_133437.4); c.13658-46368G>A (NM_133432.3); c.31238G>A, p.Arg10413Gln (NM_001256850.1); short protein forms R10413Q, R10730Q, R9486Q.
Identifiers: ClinVar variation 202298 (VCV000202298.3), dbSNP rs771054923, ClinGen allele CA309006.
Genomic context (GRCh38, chr2:178,688,685, plus strand): 5'-CTTTGAGGAAACACACACAAACTCATTTATCCCCTGACTTCCGATTATATACCTTCGTGC[C>T]GCGTGACTTCCACTCTTTGAGGAACTGCGAAGGATAGTTTTTCTTCAGCAACAAATCTCT-3'
Protein context (NP_001254479.2, residues 10720-10740): FAVPQRVEVT[Arg10730Gln]HEVSAEEEWS

ClinVar aggregate classification (germline): Likely benign (1 of 4 stars; one submission).

Allele frequency attached by ClinVar (database versions not stated): gnomAD exomes 0.00004 and 0.00002; TOPMed 0.00001; ExAC 0.00003.
gnomAD v4.1: 55 of 1,611,740 alleles (0.0034%); highest among the groups gnomAD compares: Non-Finnish European, 0.0044%; no homozygotes.

Submission:

GeneDx
Classification: Likely benign. Last evaluated: 2012-11-08. Review status: criteria provided, single submitter. Criteria: GeneDx Variant Classification (06012015). Collection method: clinical testing. Allele origin: germline. Affected: yes.
Comment: This variant is considered likely benign or benign based on one or more of the following criteria: it is a conservative change, it occurs at a poorly conserved position in the protein, it is predicted to be benign by multiple in silico algorithms, and/or has population frequency not consistent with disease.